The following is an entry in ClinVar:

ClinVar aggregate classification (germline): Benign/Likely benign. Review status: criteria provided, multiple submitters, no conflicts (2 of 4 stars). 19 submissions from 19 submitters: Benign (12); Likely benign (2). 5 of the submissions do not count toward it. Last evaluated 2026-08-01.

Conditions:
Hereditary cancer-predisposing syndrome. Also called: Neoplastic Syndromes, Hereditary; Tumor predisposition; Hereditary Cancer Syndrome; Hereditary neoplastic syndrome. Identifiers: Orphanet 140162, MedGen C0027672, MeSH D009386, MONDO:0015356.
Tuberous sclerosis syndrome (TSC). Also called: Tuberous Sclerosis Complex; Tuberous sclerosis. Identifiers: Orphanet 805, MedGen C0041341, MONDO:0001734.
Tuberous sclerosis 2 (TSC2). Identifiers: Orphanet 805, MedGen C1860707, MONDO:0013199, OMIM 613254.

Allele frequency attached by ClinVar (database versions not stated): gnomAD exomes 0.00046 and 0.00092; TOPMed 0.00053; gnomAD 0.00055 and 0.00057; ESP Exome Variant Server 0.00069; ExAC 0.00133.

Submissions (19):

CeGaT Center for Human Genetics Tuebingen
Classification: Benign. Last evaluated: 2026-08-01. Review status: criteria provided, single submitter. Criteria: CeGaT Center For Human Genetics Tuebingen Variant Classification Criteria Version 2. Collection method: clinical testing. Allele origin: germline. Affected: yes. Observed: 34 variant alleles.
Comment: TSC2: BS1, BS2

Labcorp Genetics (formerly Invitae), Labcorp
Classification: Benign for Tuberous sclerosis 2. Last evaluated: 2026-02-03. Review status: criteria provided, single submitter. Criteria: Invitae Variant Classification Sherloc (09022015). Collection method: clinical testing. Allele origin: germline.

Mayo Clinic Laboratories, Mayo Clinic
Classification: Likely benign. Last evaluated: 2025-05-16. Review status: criteria provided, single submitter. Criteria: ACMG Guidelines, 2015. Collection method: clinical testing. Allele origin: germline. Observed: 1 variant allele.
Comment: BS1, BS3_supporting

Myriad Genetics, Inc.
Classification: Benign for Tuberous sclerosis 2. Last evaluated: 2025-05-02. Review status: criteria provided, single submitter. Criteria: Myriad Autosomal Dominant, Autosomal Recessive and X-Linked Classification Criteria (2023). Collection method: clinical testing. Allele origin: unknown.
Comment: This variant is considered benign. This variant has been observed at a population frequency that is significantly greater than expected given the associated disease prevalence and penetrance. Homozygosity has been confirmed in one or more individuals. As homozygosity for pathogenic variants in this gene is generally assumed to result in embryonic lethality, this variant is unlikely to be pathogenic.

Laboratory of Genetics, Children's Clinical University Hospital Latvia
Classification: Benign. Last evaluated: 2025-02-16. Review status: criteria provided, single submitter. Criteria: ACMG Guidelines, 2015. Collection method: clinical testing. Allele origin: germline. Affected: yes.

Blueprint Genetics
Classification: Likely benign. Last evaluated: 2024-11-26. Review status: criteria provided, single submitter. Criteria: ACMG Guidelines, 2015. Collection method: clinical testing. Allele origin: germline.

KCCC/NGS Laboratory, Kuwait Cancer Control Center
Classification: Benign for Tuberous sclerosis 2. Last evaluated: 2023-07-07. Review status: criteria provided, single submitter. Criteria: ACMG Guidelines, 2015. Collection method: clinical testing. Allele origin: germline. Affected: yes.

Color Diagnostics, LLC DBA Color Health
Classification: Benign for Tuberous sclerosis syndrome. Last evaluated: 2022-09-09. Review status: criteria provided, single submitter. Criteria: ACMG Guidelines, 2015. Collection method: clinical testing. Allele origin: germline.

Genome-Nilou Lab
Classification: Benign for Tuberous sclerosis 2. Last evaluated: 2021-11-07. Review status: criteria provided, single submitter. Criteria: ACMG Guidelines, 2015. Collection method: clinical testing. Allele origin: germline. Affected: no.

Athena Diagnostics
Classification: Benign. Last evaluated: 2019-10-30. Review status: criteria provided, single submitter. Criteria: Athena Diagnostics Criteria. Collection method: clinical testing. Allele origin: unknown.

GeneDx
Classification: Benign. Last evaluated: 2019-03-04. Review status: criteria provided, single submitter. Criteria: GeneDx Variant Classification Process June 2021. Collection method: clinical testing. Allele origin: germline. Affected: yes.
Comment: This variant is associated with the following publications: (PMID: 22903760, 24728327, 12111193)

Illumina Laboratory Services, Illumina
Classification: Benign for Tuberous sclerosis syndrome. Last evaluated: 2018-01-12. Review status: criteria provided, single submitter. Criteria: ICSL Variant Classification Criteria 13 December 2019. Collection method: clinical testing. Allele origin: germline.
Comment: This variant was observed in the ICSL laboratory as part of a predisposition screen in an ostensibly healthy population. It had not been previously curated by ICSL or reported in the Human Gene Mutation Database (HGMD: prior to June 1st, 2018), and was therefore a candidate for classification through an automated scoring system. Utilizing variant allele frequency, disease prevalence and penetrance estimates, and inheritance mode, an automated score was calculated to assess if this variant is too frequent to cause the disease. Based on the score and internal cut-off values, a variant classified as benign is not then subjected to further curation. The score for this variant resulted in a classification of benign for this disease.

Eurofins Ntd Llc (ga)
Classification: Benign. Last evaluated: 2017-12-07. Review status: criteria provided, single submitter. Criteria: EGL Classification Definitions 2015. Collection method: clinical testing. Allele origin: germline. Observed: 1 variant allele, 1 heterozygote.

Ambry Genetics
Classification: Benign for Hereditary cancer-predisposing syndrome. Last evaluated: 2014-07-03. Review status: criteria provided, single submitter. Criteria: Ambry Variant Classification Scheme 2023. Collection method: clinical testing. Allele origin: germline.

ITMI
No classification provided. Condition: AllHighlyPenetrant. Last evaluated: 2013-09-19. Review status: no classification provided. Collection method: reference population. Allele origin: germline. Not counted in ClinVar's aggregate classification.
Comment: Please see associated publication for description of ethnicities

Clinical Genetics DNA and cytogenetics Diagnostics Lab, Erasmus MC, Erasmus Medical Center
Classification: Benign. Review status: no assertion criteria provided. Collection method: clinical testing. Allele origin: germline. Affected: yes. Study: VKGL Data-share Consensus. Not counted in ClinVar's aggregate classification.

Clinical Genetics, Academic Medical Center
Classification: Benign. Review status: no assertion criteria provided. Collection method: clinical testing. Allele origin: germline. Affected: yes. Study: VKGL Data-share Consensus. Not counted in ClinVar's aggregate classification.

Diagnostic Laboratory, Department of Genetics, University Medical Center Groningen
Classification: Likely benign. Review status: no assertion criteria provided. Collection method: clinical testing. Allele origin: germline. Affected: yes. Study: VKGL Data-share Consensus. Not counted in ClinVar's aggregate classification.

Tuberous sclerosis database (TSC2)
No classification provided. Condition: TSC. Review status: no classification provided. Criteria: Tuberous Sclerosis Database Assertion Criteria 2015. Collection method: curation. Allele origin: germline. Affected: yes. Not counted in ClinVar's aggregate classification.

Literature cited by the submitters: PubMed 12111193 (cited by Athena Diagnostics); PubMed 22903760 (cited by Athena Diagnostics and Eurofins Ntd Llc (ga)); PubMed 24728327 (cited by ITMI).

NM_000548.5(TSC2):c.272C>T (p.Pro91Leu)

Gene: TSC2 (TSC complex subunit 2; plus strand). Cytogenetic location: 16p13.3.
Variant type: single nucleotide variant.
Coding change: c.272C>T on transcript NM_000548.5 (MANE Select); coding-DNA position 272, C replaced by T.
Protein change: p.Pro91Leu; replaces proline 91 with leucine.
Molecular consequence: missense variant. On other transcripts: intron variant (2).
Genome position (GRCh38, 1-based): chr16:2,053,388, C>T. VCF-style: chr16-2053388-C-T. GRCh37 (hg19) VCF-style: chr16-2103389-C-T.
Other names: p.P91L:CCG>CTG; p.Pro91Leu; c.272C>T (NM_000548.4); c.272C>T, p.Pro91Leu (NM_001077183.3, NM_001114382.3, NM_001363528.2 and 3 more transcripts); c.125C>T, p.Pro42Leu (NM_001318829.2); c.305C>T, p.Pro102Leu (NM_001318832.2); c.226-908C>T (NM_001318827.2); c.-1-2808C>T (NM_001318831.2); short protein forms P91L, P102L, P42L.
Identifiers: ClinVar variation 49225 (VCV000049225.69), dbSNP rs45482691, ClinGen allele CA017971.